The following is an entry in ClinVar:

NM_002633.3(PGM1):c.1103C>T (p.Ala368Val)

Gene: PGM1 (phosphoglucomutase 1; plus strand). Cytogenetic location: 1p31.3.
Variant type: single nucleotide variant.
Coding change: c.1103C>T on transcript NM_002633.3 (MANE Select); coding-DNA position 1103, C replaced by T.
Protein change: p.Ala368Val; replaces alanine 368 with valine.
Molecular consequence: missense variant.
Genome position (GRCh38, 1-based): chr1:63,638,759, C>T. VCF-style: chr1-63638759-C-T. GRCh37 (hg19) VCF-style: chr1-64104430-C-T.
Other names: c.1157C>T, p.Ala386Val (NM_001172818.1); c.512C>T, p.Ala171Val (NM_001172819.2); short protein forms A368V, A171V, A386V.
Identifiers: ClinVar variation 198483 (VCV000198483.21), dbSNP rs145972303, ClinGen allele CA247153.

ClinVar aggregate classification (germline): Conflicting classifications of pathogenicity. Review status: criteria provided, conflicting classifications (1 of 4 stars). 4 submissions from 4 submitters: Uncertain significance (2); Likely benign (1). 1 of the submissions does not count toward it. Last evaluated 2026-01-14.

Conditions:
PGM1-related disorder. Also called: PGM1-related condition; PGM1-related disorders.
PGM1-congenital disorder of glycosylation. Also called: Congenital disorder of glycosylation type 1t; PHOSPHOGLUCOMUTASE 1 DEFICIENCY; PGM1 DEFICIENCY; GLYCOGEN STORAGE DISEASE XIV; GSD XIV; CDG It. Identifiers: Orphanet 319646, MedGen C2752015, MONDO:0013968, OMIM 614921.

Allele frequency attached by ClinVar (database versions not stated): 1000 Genomes Project 30x 0.00016; 1000 Genomes Project 0.00020; TOPMed 0.00022; ESP Exome Variant Server 0.00023; gnomAD 0.00024 and 0.00026; gnomAD exomes 0.00031 and 0.00048; ExAC 0.00047.
gnomAD v4.1: 492 of 1,614,038 alleles (0.03%); highest among the groups gnomAD compares: East Asian, 0.071%; no homozygotes.

Submissions (6):

Labcorp Genetics (formerly Invitae), Labcorp
Classification: Likely benign for PGM1-congenital disorder of glycosylation. Last evaluated: 2026-01-14. Review status: criteria provided, single submitter. Criteria: Invitae Variant Classification Sherloc (09022015). Collection method: clinical testing. Allele origin: germline.

Illumina Laboratory Services, Illumina
Classification: Uncertain significance for PGM1-congenital disorder of glycosylation. Last evaluated: 2018-01-13. Review status: criteria provided, single submitter. Criteria: ICSL Variant Classification Criteria 13 December 2019. Collection method: clinical testing. Allele origin: germline.

Eurofins Ntd Llc (ga)
Classification: Uncertain significance. Last evaluated: 2014-08-28. Review status: criteria provided, single submitter. Criteria: EGL Classification Definitions 2015. Collection method: clinical testing. Allele origin: germline. Observed: 1 variant allele, 1 heterozygote.

PreventionGenetics, part of Exact Sciences
Classification: Likely benign for PGM1-related condition. Last evaluated: 2024-09-27. Review status: no assertion criteria provided. Collection method: clinical testing. Allele origin: germline. Not counted in ClinVar's aggregate classification.
Comment: This variant is classified as likely benign based on ACMG/AMP sequence variant interpretation guidelines (Richards et al. 2015 PMID: 25741868, with internal and published modifications).

Dr. Peter K. Rogan Lab, Western University
No classification provided (evidence only). Condition: Malignant lymphoma, large B-cell, diffuse. Review status: no classification provided. Collection method: in vitro. Allele origin: not applicable. Functional consequence: retained intron. Not counted in ClinVar's aggregate classification.

Dr. Peter K. Rogan Lab, Western University
No classification provided (evidence only). Condition: Gastric cancer. Review status: no classification provided. Collection method: in vitro. Allele origin: not applicable. Functional consequence: retained intron. Not counted in ClinVar's aggregate classification.